The following is an entry in ClinVar:

ClinVar aggregate classification (germline): Uncertain significance (1 of 4 stars; one submission).

Submission:

Labcorp Genetics (formerly Invitae), Labcorp
Classification: Uncertain significance. Last evaluated: 2024-10-23. Review status: criteria provided, single submitter. Criteria: Invitae Variant Classification Sherloc (09022015). Collection method: clinical testing. Allele origin: germline.
Comment: This sequence change replaces lysine, which is basic and polar, with glutamic acid, which is acidic and polar, at codon 157 of the GATAD2B protein (p.Lys157Glu). This variant is not present in population databases (gnomAD no frequency). This variant has not been reported in the literature in individuals affected with GATAD2B-related conditions. Invitae Evidence Modeling of protein sequence and biophysical properties (such as structural, functional, and spatial information, amino acid conservation, physicochemical variation, residue mobility, and thermodynamic stability) indicates that this missense variant is not expected to disrupt GATAD2B protein function with a negative predictive value of 80%. In summary, the available evidence is currently insufficient to determine the role of this variant in disease. Therefore, it has been classified as a Variant of Uncertain Significance.

NM_020699.4(GATAD2B):c.469A>G (p.Lys157Glu)

Gene: GATAD2B (GATA zinc finger domain containing 2B; minus strand). Cytogenetic location: 1q21.3.
Variant type: single nucleotide variant.
Coding change: c.469A>G on transcript NM_020699.4 (MANE Select); coding-DNA position 469, A replaced by G.
Protein change: p.Lys157Glu; replaces lysine 157 with glutamic acid.
Molecular consequence: missense variant.
Genome position (GRCh38, 1-based): chr1:153,818,919, T>C on the plus strand (A>G on the coding strand, the complement: GATAD2B is on the minus strand). VCF-style: chr1-153818919-T-C. GRCh37 (hg19) VCF-style: chr1-153791395-T-C.
Other names: short protein forms K157E.
Identifiers: ClinVar variation 2757340 (VCV002757340.2), dbSNP rs2525259520, ClinGen allele CA342533322.